The following is an entry in ClinVar:

ClinVar aggregate classification (germline): Uncertain significance (1 of 4 stars; one submission).

Conditions:
Wilson-Turner syndrome (WTS). Also called: INTELLECTUAL DEVELOPMENTAL DISORDER, X-LINKED, SYNDROMIC, WILSON-TURNER TYPE; MENTAL RETARDATION, X-LINKED, SYNDROMIC 6. Identifiers: Orphanet 3459, MedGen C1839736, MONDO:0010665, OMIM 309585.

Submission:

Labcorp Genetics (formerly Invitae), Labcorp
Classification: Uncertain significance for Wilson-Turner syndrome. Last evaluated: 2018-05-24. Review status: criteria provided, single submitter. Criteria: Invitae Variant Classification Sherloc (09022015). Collection method: clinical testing. Allele origin: germline.
Comment: In summary, the available evidence is currently insufficient to determine the role of this variant in disease. Therefore, it has been classified as a Variant of Uncertain Significance. Algorithms developed to predict the effect of sequence changes on RNA splicing suggest that this variant may create or strengthen a splice site, but this prediction has not been confirmed by published transcriptional studies. Algorithms developed to predict the effect of missense changes on protein structure and function (SIFT, PolyPhen-2, Align-GVGD) all suggest that this variant is likely to be tolerated, but these predictions have not been confirmed by published functional studies and their clinical significance is uncertain. This variant has not been reported in the literature in individuals with LAS1L-related disease. This variant is not present in population databases (ExAC no frequency). This sequence change replaces arginine with serine at codon 401 of the LAS1L protein (p.Arg401Ser). The arginine residue is weakly conserved and there is a moderate physicochemical difference between arginine and serine.

NM_031206.7(LAS1L):c.1203G>T (p.Arg401Ser)

Gene: LAS1L (LAS1 like ribosome biogenesis factor; minus strand). Cytogenetic location: Xq12.
Variant type: single nucleotide variant.
Coding change: c.1203G>T on transcript NM_031206.7 (MANE Select); coding-DNA position 1203, G replaced by T.
Protein change: p.Arg401Ser; replaces arginine 401 with serine.
Molecular consequence: missense variant. On other transcripts: non-coding transcript variant (1).
Genome position (GRCh38, 1-based): chrX:65,524,153, C>A on the plus strand (G>T on the coding strand, the complement: LAS1L is on the minus strand). VCF-style: chrX-65524153-C-A. GRCh37 (hg19) VCF-style: chrX-64744033-C-A.
Other names: c.1152G>T, p.Arg384Ser (NM_001170649.2, NM_001375331.1, NM_001375333.1 and 2 more transcripts); c.1026G>T, p.Arg342Ser (NM_001170650.2); c.1203G>T, p.Arg401Ser (NM_001375328.1, NM_001375329.1, NM_001375330.1 and 2 more transcripts); c.246G>T, p.Arg82Ser (NM_001375332.1); short protein forms R401S, R342S, R384S, R82S.
Identifiers: ClinVar variation 580915 (VCV000580915.9), dbSNP rs1569438242, ClinGen allele CA413317256.